The following is an entry in ClinVar:

NM_014712.3(SETD1A):c.1962G>A (p.Pro654=)

Gene: SETD1A (SET domain containing 1A, histone lysine methyltransferase; plus strand). Cytogenetic location: 16p11.2.
Variant type: single nucleotide variant.
Coding change: c.1962G>A on transcript NM_014712.3 (MANE Select); coding-DNA position 1962, G replaced by A.
Protein change: p.Pro654=; no amino-acid change (proline 654 retained).
Molecular consequence: synonymous variant.
Genome position (GRCh38, 1-based): chr16:30,965,843, G>A. VCF-style: chr16-30965843-G-A. GRCh37 (hg19) VCF-style: chr16-30977164-G-A.
Identifiers: ClinVar variation 3905307 (VCV003905307.10).

ClinVar aggregate classification (germline): Likely benign (1 of 4 stars; one submission).

gnomAD v4.1: 17 of 999,664 alleles (0.0017%); highest among the groups gnomAD compares: Middle Eastern, 0.025%; no homozygotes.

Submission:

CeGaT Center for Human Genetics Tuebingen
Classification: Likely benign. Last evaluated: 2025-05-01. Review status: criteria provided, single submitter. Criteria: CeGaT Center For Human Genetics Tuebingen Variant Classification Criteria Version 2. Collection method: clinical testing. Allele origin: germline. Affected: yes. Observed: 1 variant allele.
Comment: SETD1A: BP4, BP7